The following is an entry in ClinVar:

NM_001378454.1(ALMS1):c.7426G>A (p.Val2476Ile)

Gene: ALMS1 (ALMS1 centrosome and basal body associated protein; plus strand). Cytogenetic location: 2p13.1.
Variant type: single nucleotide variant.
Coding change: c.7426G>A on transcript NM_001378454.1 (MANE Select); coding-DNA position 7426, G replaced by A.
Protein change: p.Val2476Ile; replaces valine 2476 with isoleucine.
Molecular consequence: missense variant.
Genome position (GRCh38, 1-based): chr2:73,453,953, G>A. VCF-style: chr2-73453953-G-A. GRCh37 (hg19) VCF-style: chr2-73681080-G-A.
Other names: c.7429G>A, p.Val2477Ile (NM_015120.4); short protein forms V2477I, V2476I.
Identifiers: ClinVar variation 579086 (VCV000579086.10), dbSNP rs772752104, ClinGen allele CA1714232.

ClinVar aggregate classification (germline): Uncertain significance. Review status: criteria provided, multiple submitters, no conflicts (2 of 4 stars). 5 submissions from 5 submitters: Uncertain significance (5). Last evaluated 2026-06-09.

Conditions:
Alstrom syndrome (ALMS). Identifiers: Orphanet 64, MedGen C0268425, MONDO:0008763, OMIM 203800.
Cardiovascular phenotype. Identifiers: MedGen CN230736.

Allele frequency attached by ClinVar (database versions not stated): ExAC 0.00001; gnomAD 0.00001; gnomAD exomes below 0.00001.
gnomAD v4.1: 3 of 1,613,870 alleles (0.00019%); highest among the groups gnomAD compares: African/African-American, 0.0027%; no homozygotes.

Submissions (5):

Ambry Genetics
Classification: Uncertain significance for Cardiovascular phenotype. Last evaluated: 2026-06-09. Review status: criteria provided, single submitter. Criteria: Ambry Variant Classification Scheme 2023. Collection method: clinical testing. Allele origin: germline.
Comment: The p.V2477I variant (also known as c.7429G>A), located in coding exon 8 of the ALMS1 gene, results from a G to A substitution at nucleotide position 7429. The valine at codon 2477 is replaced by isoleucine, an amino acid with highly similar properties. This amino acid position is not well conserved in available vertebrate species. In addition, this alteration is predicted to be tolerated by in silico analysis. Based on the available evidence, the clinical significance of this variant remains unclear.

GeneDx
Classification: Uncertain significance. Last evaluated: 2026-04-08. Review status: criteria provided, single submitter. Criteria: GeneDx Variant Classification Process June 2021. Collection method: clinical testing. Allele origin: germline.
Comment: Not observed at significant frequency in large population cohorts (gnomAD); In silico analysis suggests that this missense variant does not alter protein structure/function; Has not been previously published as pathogenic or benign to our knowledge

Greenwood Genetic Center Diagnostic Laboratories, Greenwood Genetic Center
Classification: Uncertain significance. Last evaluated: 2025-06-17. Review status: criteria provided, single submitter. Criteria: ACMG Guidelines, 2015. Collection method: clinical testing. Allele origin: germline. Affected: yes.
Comment: PM2, BP1, BP4

Labcorp Genetics (formerly Invitae), Labcorp
Classification: Uncertain significance for Alstrom syndrome. Last evaluated: 2022-08-31. Review status: criteria provided, single submitter. Criteria: Invitae Variant Classification Sherloc (09022015). Collection method: clinical testing. Allele origin: germline.
Comment: This sequence change replaces valine, which is neutral and non-polar, with isoleucine, which is neutral and non-polar, at codon 2477 of the ALMS1 protein (p.Val2477Ile). This variant is present in population databases (rs772752104, gnomAD 0.007%). This variant has not been reported in the literature in individuals affected with ALMS1-related conditions. ClinVar contains an entry for this variant (Variation ID: 579086). Algorithms developed to predict the effect of missense changes on protein structure and function output the following: SIFT: "Not Available"; PolyPhen-2: "Not Available"; Align-GVGD: "Not Available". The isoleucine amino acid residue is found in multiple mammalian species, which suggests that this missense change does not adversely affect protein function. In summary, the available evidence is currently insufficient to determine the role of this variant in disease. Therefore, it has been classified as a Variant of Uncertain Significance.

Fulgent Genetics
Classification: Uncertain significance for Alstrom syndrome. Last evaluated: 2021-11-24. Review status: criteria provided, single submitter. Criteria: ACMG Guidelines, 2015. Collection method: clinical testing. Allele origin: unknown.